The following is an entry in ClinVar:

ClinVar aggregate classification (germline): Pathogenic/Likely pathogenic. Review status: criteria provided, multiple submitters, no conflicts (2 of 4 stars). 3 submissions from 3 submitters: Pathogenic (1); Likely pathogenic (2). Last evaluated 2025-09-18.

Conditions:
Capillary malformation-arteriovenous malformation 2 (CMAVM2). Identifiers: Orphanet 693912, MedGen C4748670, MONDO:0020785, OMIM 618196.
Lymphatic malformation 7 (LMPHM7). Also called: Hydrops fetalis, nonimmune, and/or atrial septal defect, susceptibility to. Identifiers: MedGen C4310629, MONDO:0015009, OMIM 617300.

Submissions (3):

Victorian Clinical Genetics Services, Murdoch Childrens Research Institute
Classification: Pathogenic for Capillary malformation-arteriovenous malformation 2. Last evaluated: 2025-09-18. Review status: criteria provided, single submitter. Criteria: ACMG Guidelines, 2015. Collection method: clinical testing. Allele origin: germline. Affected: yes.
Comment: This variant is classified as Pathogenic. Evidence in support of pathogenic classification: Variant is predicted to cause nonsense-mediated decay (NMD) and loss of protein (premature termination codon is located at least 54 nucleotides upstream of the final exon-exon junction); Variant is absent from gnomAD (v2, v3 and v4); This variant has limited previous evidence of pathogenicity in an unrelated individual(s). It has been classified as likely pathogenic by two clinical laboratories (ClinVar); Other NMD-predicted variants comparable to the one identified in this case have very strong previous evidence for pathogenicity (DECIPHER). Additional information: This variant is heterozygous; This gene is associated with autosomal dominant disease; No published evidence of segregation with disease has been identified for this variant; No published functional evidence has been identified for this variant; Loss of function is a known mechanism of disease in this gene and is associated with capillary malformation-arteriovenous malformation 2 (MIM#618196) and lymphatic malformation 7 (MIM#617300); Variants in this gene are known to have variable expressivity. There is intrafamilial variability reported (PMIDs: 29905864, 27400125, 30578106).

Clinical Genomics Laboratory, Washington University in St. Louis
Classification: Likely pathogenic for Lymphatic malformation 7; Capillary malformation-arteriovenous malformation 2. Last evaluated: 2024-12-27. Review status: criteria provided, single submitter. Criteria: ACMG Guidelines, 2015. Collection method: clinical testing. Allele origin: germline. Affected: yes.
Comment: An EPHB4 c.1738C>T (p.Gln580*) variant was identified at a heterozygous allelic fraction of 51%, a frequency which may be consistent with germline origin. This exact variant, to our knowledge, has not been reported in the medical literature, but several other nonsense variants in EPHB4 have been identified in individuals with CM-AVM (Amyere M et al., PMID: 28687708). It is absent from the general population (gnomAD v.4.1.0), indicating it is not a common variant and has been reported in the ClinVar database as a germline likely pathogenic variant by one submitter (ClinVar variation ID: 1324340). The EPHB4 c.1738C>T (p.Gln580*) variant leads to a premature termination codon, which is predicted to lead to nonsense mediated decay. Based on available information and the ACMG/AMP guidelines for variant interpretation (Richards S et al., PMID: 25741868), this variant is classified as likely pathogenic.

Revvity Omics, Revvity
Classification: Likely pathogenic. Last evaluated: 2021-01-28. Review status: criteria provided, single submitter. Criteria: ACMG Guidelines, 2015. Collection method: clinical testing. Allele origin: germline.

Literature cited by the submitters: PubMed 29905864 (cited by Victorian Clinical Genetics Services, Murdoch Childrens Research Institute); PubMed 27400125 (cited by Victorian Clinical Genetics Services, Murdoch Childrens Research Institute); PubMed 30578106 (cited by Victorian Clinical Genetics Services, Murdoch Childrens Research Institute).

NM_004444.5(EPHB4):c.1738C>T (p.Gln580Ter)

Gene: EPHB4 (EPH receptor B4; minus strand). Cytogenetic location: 7q22.1.
Variant type: single nucleotide variant.
Coding change: c.1738C>T on transcript NM_004444.5 (MANE Select); coding-DNA position 1738, C replaced by T.
Protein change: p.Gln580Ter; replaces glutamine 580 with a stop codon.
Molecular consequence: nonsense.
Genome position (GRCh38, 1-based): chr7:100,813,670, G>A on the plus strand (C>T on the coding strand, the complement: EPHB4 is on the minus strand). VCF-style: chr7-100813670-G-A. GRCh37 (hg19) VCF-style: chr7-100411292-G-A.
Other names: short protein forms Q580*.
Identifiers: ClinVar variation 1324340 (VCV001324340.7), dbSNP rs2116434296, ClinGen allele CA368571371.